The following is an entry in ClinVar:

NM_001368067.1(LDB3):c.410C>A (p.Pro137His)

Genes: LDB3 (LIM domain binding 3; plus strand), LOC110121486 (VISTA enhancer hs2143; plus strand). Cytogenetic location: 10q23.2.
Variant type: single nucleotide variant.
Coding change: c.410C>A on transcript NM_001368067.1 (MANE Plus Clinical); coding-DNA position 410, C replaced by A.
Protein change: p.Pro137His; replaces proline 137 with histidine.
Molecular consequence: missense variant. On other transcripts: intron variant (5).
Genome position (GRCh38, 1-based): chr10:86,687,134, C>A. VCF-style: chr10-86687134-C-A. GRCh37 (hg19) VCF-style: chr10-88446891-C-A.
Other names: c.410C>A, p.Pro137His (NM_001080114.2, NM_001080116.1, NM_001368066.1 and 1 more transcripts); c.755C>A, p.Pro252His (NM_001171610.2, NM_001171611.2); c.690-4762C>A (NM_001368064.1, NM_001368063.1, NM_007078.3 and 2 more transcripts); short protein forms P137H, P252H.
Identifiers: ClinVar variation 2863433 (VCV002863433.3), dbSNP rs938329394, ClinGen allele CA377441568.

ClinVar aggregate classification (germline): Uncertain significance (1 of 4 stars; one submission).

Conditions:
Myofibrillar myopathy 4. Also called: Zaspopathy (type). Identifiers: Orphanet 98912, MedGen C4721886, MONDO:0012277, OMIM 609452.

Submission:

Labcorp Genetics (formerly Invitae), Labcorp
Classification: Uncertain significance for Myofibrillar myopathy 4. Last evaluated: 2023-11-28. Review status: criteria provided, single submitter. Criteria: Invitae Variant Classification Sherloc (09022015). Collection method: clinical testing. Allele origin: germline.
Comment: This sequence change replaces proline, which is neutral and non-polar, with histidine, which is basic and polar, at codon 137 of the LDB3 protein (p.Pro137His). This variant is not present in population databases (gnomAD no frequency). This variant has not been reported in the literature in individuals affected with LDB3-related conditions. An algorithm developed to predict the effect of missense changes on protein structure and function (PolyPhen-2) suggests that this variant is likely to be disruptive. In summary, the available evidence is currently insufficient to determine the role of this variant in disease. Therefore, it has been classified as a Variant of Uncertain Significance.